The following is an entry in ClinVar:

NM_000138.5(FBN1):c.8524C>T (p.Leu2842Phe)

Gene: FBN1 (fibrillin 1; minus strand). Cytogenetic location: 15q21.1.
Variant type: single nucleotide variant.
Coding change: c.8524C>T on transcript NM_000138.5 (MANE Select); coding-DNA position 8524, C replaced by T.
Protein change: p.Leu2842Phe; replaces leucine 2842 with phenylalanine.
Molecular consequence: missense variant.
Genome position (GRCh38, 1-based): chr15:48,411,082, G>A on the plus strand (C>T on the coding strand, the complement: FBN1 is on the minus strand). VCF-style: chr15-48411082-G-A. GRCh37 (hg19) VCF-style: chr15-48703279-G-A.
Other names: short protein forms L2842F.
Identifiers: ClinVar variation 924542 (VCV000924542.11), dbSNP rs755903722, ClinGen allele CA060135.
Genomic context (GRCh38, chr15:48,411,082, plus strand): 5'-GATTATCACCCAGTTCACCACTGAGGTAGTCTTTGTCATATTTGTCTTCTAGTTGGTTAA[G>A]TTCTTTCTTTTTATAAAGTGGAGTACTACTGATTTGTAATGAATAGGTTCCAGCCACTGG-3'
Protein context (NP_000129.3, residues 2832-2852): SSTPLYKKKE[Leu2842Phe]NQLEDKYDKD

ClinVar aggregate classification (germline): Uncertain significance. Review status: criteria provided, multiple submitters, no conflicts (2 of 4 stars). 4 submissions from 4 submitters: Uncertain significance (4). Last evaluated 2025-10-07.

Conditions:
Familial thoracic aortic aneurysm and aortic dissection (TAAD). Also called: Thoracic aortic aneurysms and dissections. Identifiers: Orphanet 91387, MedGen C4707243, MONDO:0019625.
Marfan syndrome (MFS). Also called: Marfan syndrome, classic; Marfan syndrome type 1; Marfan's syndrome; FBN1-Related Marfan Syndrome; MARFAN SYNDROME, TYPE I. Identifiers: Orphanet 284963, Orphanet 558, MedGen C0024796, MONDO:0007947, OMIM 154700.

Allele frequency attached by ClinVar (database versions not stated): gnomAD 0.00001; ExAC 0.00002; gnomAD exomes 0.00002; TOPMed 0.00002.
gnomAD v4.1: 32 of 1,613,818 alleles (0.002%); highest among the groups gnomAD compares: Non-Finnish European, 0.0026%; no homozygotes.

Submissions (4):

Labcorp Genetics (formerly Invitae), Labcorp
Classification: Uncertain significance for Marfan syndrome; Familial thoracic aortic aneurysm and aortic dissection. Last evaluated: 2025-10-07. Review status: criteria provided, single submitter. Criteria: Invitae Variant Classification Sherloc (09022015). Collection method: clinical testing. Allele origin: germline.
Comment: This sequence change replaces leucine, which is neutral and non-polar, with phenylalanine, which is neutral and non-polar, at codon 2842 of the FBN1 protein (p.Leu2842Phe). This variant is present in population databases (rs755903722, gnomAD 0.004%). This variant has not been reported in the literature in individuals affected with FBN1-related conditions. ClinVar contains an entry for this variant (Variation ID: 924542). Invitae Evidence Modeling of protein sequence and biophysical properties (such as structural, functional, and spatial information, amino acid conservation, physicochemical variation, residue mobility, and thermodynamic stability) has been performed for this missense variant. However, the output from this modeling did not meet the statistical confidence thresholds required to predict the impact of this variant on FBN1 protein function. In summary, the available evidence is currently insufficient to determine the role of this variant in disease. Therefore, it has been classified as a Variant of Uncertain Significance.

Color Diagnostics, LLC DBA Color Health
Classification: Uncertain significance for Familial thoracic aortic aneurysm and aortic dissection. Last evaluated: 2024-03-06. Review status: criteria provided, single submitter. Criteria: ACMG Guidelines, 2015. Collection method: clinical testing. Allele origin: germline.
Comment: This missense variant replaces leucine with phenylalanine at codon 2842 of the FBN1 protein. Computational prediction is inconclusive regarding the impact of this variant on protein structure and function (internally defined REVEL score threshold 0.5 < inconclusive < 0.7, PMID: 27666373). To our knowledge, functional studies have not been reported for this variant. This variant has not been reported in individuals affected with FBN1-related disorders in the literature. This variant has been identified in 4/251200 chromosomes in the general population by the Genome Aggregation Database (gnomAD). The available evidence is insufficient to determine the role of this variant in disease conclusively. Therefore, this variant is classified as a Variant of Uncertain Significance.

GeneDx
Classification: Uncertain significance. Last evaluated: 2023-11-29. Review status: criteria provided, single submitter. Criteria: GeneDx Variant Classification Process June 2021. Collection method: clinical testing. Allele origin: germline. Affected: yes.
Comment: Has not been previously published as pathogenic or benign to our knowledge; Not observed at significant frequency in large population cohorts (gnomAD); Does not affect a cysteine residue within a calcium-binding EGF-like domain or a TGF-binding protein domain of the FBN1 gene; cysteine substitutions in the calcium-binding EGF-like domains represent the majority of pathogenic missense changes associated with FBN1-related disorders (PMID: 12938084); In silico analysis supports that this missense variant does not alter protein structure/function; This variant is associated with the following publications: (PMID: 12938084)

All of Us Research Program, National Institutes of Health
Classification: Uncertain significance for Marfan syndrome. Last evaluated: 2023-06-08. Review status: criteria provided, single submitter. Criteria: ACMG Guidelines, 2015. Collection method: clinical testing. Allele origin: germline. Inheritance: Autosomal dominant inheritance. Observed: 1 variant allele, 1 heterozygote.
Comment: This missense variant replaces leucine with phenylalanine at codon 2842 of the FBN1 protein. Computational prediction is inconclusive regarding the impact of this variant on protein structure and function (internally defined REVEL score threshold 0.5 < inconclusive < 0.7, PMID: 27666373). To our knowledge, functional studies have not been reported for this variant. This variant has not been reported in individuals affected with cardiovascular disorders in the literature. This variant has been identified in 4/251200 chromosomes in the general population by the Genome Aggregation Database (gnomAD). The available evidence is insufficient to determine the role of this variant in disease conclusively. Therefore, this variant is classified as a Variant of Uncertain Significance.

This study involves interpretation of variants in research participants for the purpose of population health screening. Participant phenotype was not available at the time of variant classification. Additional details can be found in publication PMID: 35346344, PMCID: PMC8962531